The following is an entry in ClinVar:

ClinVar aggregate classification (germline): Uncertain significance (1 of 4 stars; one submission).

Conditions:
Hereditary pulmonary alveolar proteinosis. Also called: Pulmonary surfactant metabolism dysfunction. Identifiers: Orphanet 264675, MedGen C3711368, MONDO:0012580.

gnomAD v4.1: 1 of 1,614,022 alleles (0.000062%); no homozygotes.

Submission:

Ambry Genetics
Classification: Uncertain significance for Hereditary pulmonary alveolar proteinosis. Last evaluated: 2024-12-05. Review status: criteria provided, single submitter. Criteria: Ambry Variant Classification Scheme 2023. Collection method: clinical testing. Allele origin: germline.
Comment: The p.T55A variant (also known as c.163A>G), located in coding exon 2 of the ABCA3 gene, results from an A to G substitution at nucleotide position 163. The threonine at codon 55 is replaced by alanine, an amino acid with similar properties. This amino acid position is conserved. In addition, the in silico prediction for this alteration is inconclusive. Based on the available evidence, the clinical significance of this variant remains unclear.

NM_001089.3(ABCA3):c.163A>G (p.Thr55Ala)

Gene: ABCA3 (ATP binding cassette subfamily A member 3; minus strand). Cytogenetic location: 16p13.3.
Variant type: single nucleotide variant.
Coding change: c.163A>G on transcript NM_001089.3 (MANE Select); coding-DNA position 163, A replaced by G.
Protein change: p.Thr55Ala; replaces threonine 55 with alanine.
Molecular consequence: missense variant.
Genome position (GRCh38, 1-based): chr16:2,326,166, T>C on the plus strand (A>G on the coding strand, the complement: ABCA3 is on the minus strand). VCF-style: chr16-2326166-T-C. GRCh37 (hg19) VCF-style: chr16-2376167-T-C.
Other names: short protein forms T55A.
Identifiers: ClinVar variation 3513474 (VCV003513474.1).
Genomic context (GRCh38, chr16:2,326,166, plus strand): 5'-CTGGCGGAGGGAAGGTGAAGAACAGAGGCAGCTCCTGGATGGACTGGCCCGGGTAGATGG[T>C]GGCGTTGGGCACATTTTCCGACTGAATCTTCAAGCGGAGCCAGATGAGGATCCCAGAAAA-3'
Protein context (NP_001080.2, residues 45-65): KIQSENVPNA[Thr55Ala]IYPGQSIQEL